The following is an entry in ClinVar:

ClinVar aggregate classification (germline): Likely pathogenic (1 of 4 stars; one submission).

Conditions:
Hereditary cancer-predisposing syndrome. Also called: Tumor predisposition; Neoplastic Syndromes, Hereditary; Hereditary Cancer Syndrome; Hereditary neoplastic syndrome. Identifiers: Orphanet 140162, MedGen C0027672, MeSH D009386, MONDO:0015356.

Submission:

Ambry Genetics
Classification: Likely pathogenic for Hereditary cancer-predisposing syndrome. Last evaluated: 2022-08-29. Review status: criteria provided, single submitter. Criteria: Ambry Variant Classification Scheme 2023. Collection method: clinical testing. Allele origin: germline.
Comment: The c.3167_3168insAlu likely pathogenic variant results from the insertion of an Alu element between nucleotides 3167 and 3168 in coding exon 21 of the ATM gene. Mobile element insertions contribute to pathogenicity by either disrupting the coding sequence or inducing aberrant splicing (Belancio VP et al. Semin. Cancer Biol. 2010 Aug;20:200-10; Deininger P et al. Genome Biol. 2011 Dec;12:236; van der Klift HM Hum Mutat. 2012 Jul;33(7):1051-5). Direct evidence with RNA studies was insufficient at this time (Ambry internal data). Based on the majority of available evidence to date, this variant is likely to be pathogenic.

NM_000051.3:c.3167_3168insALU

Gene: ATM (ATM serine/threonine kinase; plus strand).
Variant type: Insertion.
Identifiers: ClinVar variation 1728376 (VCV001728376.2).